The following is an entry in ClinVar:

ClinVar aggregate classification (germline): Uncertain significance (1 of 4 stars; one submission).

Conditions:
DICER1-related tumor predisposition. Also called: DICER1 syndrome; DICER1-related pleuropulmonary blastoma cancer predisposition syndrome. Identifiers: Orphanet 284343, MedGen C3839822, MONDO:0100216.

Submission:

Labcorp Genetics (formerly Invitae), Labcorp
Classification: Uncertain significance for DICER1-related tumor predisposition. Last evaluated: 2022-03-27. Review status: criteria provided, single submitter. Criteria: Invitae Variant Classification Sherloc (09022015). Collection method: clinical testing. Allele origin: germline.
Comment: In summary, the available evidence is currently insufficient to determine the role of this variant in disease. Therefore, it has been classified as a Variant of Uncertain Significance. Algorithms developed to predict the effect of missense changes on protein structure and function (SIFT, PolyPhen-2, Align-GVGD) all suggest that this variant is likely to be tolerated. ClinVar contains an entry for this variant (Variation ID: 842690). This variant has not been reported in the literature in individuals affected with DICER1-related conditions. This variant is not present in population databases (gnomAD no frequency). This sequence change replaces lysine, which is basic and polar, with asparagine, which is neutral and polar, at codon 1615 of the DICER1 protein (p.Lys1615Asn).

NM_177438.3(DICER1):c.4845G>T (p.Lys1615Asn)

Gene: DICER1 (dicer 1, ribonuclease III; minus strand). Cytogenetic location: 14q32.13.
Variant type: single nucleotide variant.
Coding change: c.4845G>T on transcript NM_177438.3 (MANE Select); coding-DNA position 4845, G replaced by T.
Protein change: p.Lys1615Asn; replaces lysine 1615 with asparagine.
Molecular consequence: missense variant.
Genome position (GRCh38, 1-based): chr14:95,096,075, C>A on the plus strand (G>T on the coding strand, the complement: DICER1 is on the minus strand). VCF-style: chr14-95096075-C-A. GRCh37 (hg19) VCF-style: chr14-95562412-C-A.
Other names: c.4845G>T, p.Lys1615Asn (NM_001195573.1, NM_001271282.3, NM_001291628.2 and 1 more transcripts); short protein forms K1615N.
Identifiers: ClinVar variation 842690 (VCV000842690.11), dbSNP rs1226051395, ClinGen allele CA390866788.
Genomic context (GRCh38, chr14:95,096,075, plus strand): 5'-TTTCAATACAGAAGAGCGTGAACTGGCCACAGAAGCAGCAGCACAGCTCACTGAAAGGTT[C>A]TTTTGTTGGCTGTTGAAATTCTCCCGAGTAGGGCACAGGGCCTTTTCCCGATCAGTCCTT-3'
Protein context (NP_803187.1, residues 1605-1625): PTRENFNSQQ[Lys1615Asn]NLSVSCAAAS